The following is an entry in ClinVar:

ClinVar aggregate classification (germline): Benign (0 of 4 stars; one submission).

Conditions:
ANK1-related disorder. Also called: ANK1-related condition.

Allele frequency attached by ClinVar (database versions not stated): ESP Exome Variant Server 0.00008; TOPMed 0.00021; gnomAD 0.00049; 1000 Genomes Project 30x 0.00390; 1000 Genomes Project 0.00479.
gnomAD v4.1: 1,438 of 1,600,088 alleles (0.09%); highest among the groups gnomAD compares: South Asian, 1.5%; 23 homozygotes.

Submission:

PreventionGenetics, part of Exact Sciences
Classification: Benign for ANK1-related condition. Last evaluated: 2019-03-15. Review status: no assertion criteria provided. Collection method: clinical testing. Allele origin: germline.
Comment: This variant is classified as benign based on ACMG/AMP sequence variant interpretation guidelines (Richards et al. 2015 PMID: 25741868, with internal and published modifications).

NM_000037.4(ANK1):c.5097-30C>T

Gene: ANK1 (ankyrin 1; minus strand). Cytogenetic location: 8p11.21.
Variant type: single nucleotide variant.
Coding change: c.5097-30C>T on transcript NM_000037.4 (MANE Select); 30 bases into the intron before coding-DNA position 5097, C replaced by T.
Molecular consequence: intron variant.
Genome position (GRCh38, 1-based): chr8:41,668,594, G>A on the plus strand (C>T on the coding strand, the complement: ANK1 is on the minus strand). VCF-style: chr8-41668594-G-A. GRCh37 (hg19) VCF-style: chr8-41526112-G-A.
Other names: c.5220-30C>T (NM_001142446.2); c.4611-30C>T (NM_020477.3); c.5097-30C>T (NM_020475.3, NM_020476.3).
Identifiers: ClinVar variation 3034158 (VCV003034158.2), dbSNP rs371287969, ClinGen allele CA4727371.